The following is an entry in ClinVar:

NM_000395.3(CSF2RB):c.1038C>T (p.Asn346=)

Gene: CSF2RB (colony stimulating factor 2 receptor subunit beta; plus strand). Cytogenetic location: 22q12.3.
Variant type: single nucleotide variant.
Coding change: c.1038C>T on transcript NM_000395.3 (MANE Select); coding-DNA position 1038, C replaced by T.
Protein change: p.Asn346=; no amino-acid change (asparagine 346 retained).
Molecular consequence: synonymous variant.
Genome position (GRCh38, 1-based): chr22:36,932,790, C>T. VCF-style: chr22-36932790-C-T. GRCh37 (hg19) VCF-style: chr22-37328832-C-T.
Other names: c.1056C>T, p.Asn352= (NM_001410827.1).
Identifiers: ClinVar variation 3357008 (VCV003357008.4).
Genomic context (GRCh38, chr22:36,932,790, plus strand): 5'-TATGATGACTCTCCTGAAAGCTTCCCTCCCTCCAGTCCAGATGGCCCCTCCATCCCTCAA[C>T]GTGACCAAGGATGGAGACAGCTACAGCCTGCGCTGGGAAACAATGAAAATGCGATACGAA-3'
Protein context (NP_000386.1, residues 336-356): VNIQMAPPSL[Asn346=]VTKDGDSYSL

ClinVar aggregate classification (germline): Likely benign. Review status: criteria provided, multiple submitters, no conflicts (2 of 4 stars). 3 submissions from 3 submitters: Likely benign (2). 1 of the submissions does not count toward it. Last evaluated 2025-12-17.

Conditions:
CSF2RB-related disorder. Also called: CSF2RB-related condition.

gnomAD v4.1: 39 of 1,613,930 alleles (0.0024%); highest among the groups gnomAD compares: East Asian, 0.029%; no homozygotes.

Submissions (3):

Labcorp Genetics (formerly Invitae), Labcorp
Classification: Likely benign. Last evaluated: 2025-12-17. Review status: criteria provided, single submitter. Criteria: Invitae Variant Classification Sherloc (09022015). Collection method: clinical testing. Allele origin: germline.

Blueprint Genetics
Classification: Likely benign. Last evaluated: 2024-08-12. Review status: criteria provided, single submitter. Criteria: ACMG Guidelines, 2015. Collection method: clinical testing. Allele origin: germline.

PreventionGenetics, part of Exact Sciences
Classification: Likely benign for CSF2RB-related condition. Last evaluated: 2019-09-12. Review status: no assertion criteria provided. Collection method: clinical testing. Allele origin: germline. Not counted in ClinVar's aggregate classification.
Comment: This variant is classified as likely benign based on ACMG/AMP sequence variant interpretation guidelines (Richards et al. 2015 PMID: 25741868, with internal and published modifications).